The following is an entry in ClinVar:

NM_000090.4(COL3A1):c.1150G>T (p.Gly384Cys)

Gene: COL3A1 (collagen type III alpha 1 chain; plus strand). Cytogenetic location: 2q32.2.
Variant type: single nucleotide variant.
Coding change: c.1150G>T on transcript NM_000090.4 (MANE Select); coding-DNA position 1150, G replaced by T.
Protein change: p.Gly384Cys; replaces glycine 384 with cysteine.
Molecular consequence: missense variant.
Genome position (GRCh38, 1-based): chr2:188,994,038, G>T. VCF-style: chr2-188994038-G-T. GRCh37 (hg19) VCF-style: chr2-189858764-G-T.
Other names: short protein forms G384C.
Identifiers: ClinVar variation 4871879 (VCV004871879.1).

ClinVar aggregate classification (germline): Likely pathogenic (1 of 4 stars; one submission).

Conditions:
Ehlers-Danlos syndrome, type 4 (EDSVASC). Also called: Ehlers-Danlos syndrome vascular type; Ehlers Danlos syndrome, ecchymotic type; Ehlers Danlos syndrome, arterial type; Ehlers Danlos syndrome, Sack-Barabas type; Ehlers-Danlos Syndrome Type IV. Identifiers: Orphanet 286, MedGen C0268338, MONDO:0017314, OMIM 130050.

gnomAD v4.1: 1 of 1,613,742 alleles (0.000062%); highest among the groups gnomAD compares: Admixed American, 0.0017%; no homozygotes.

Submission:

Clinical Genetics Laboratory, Region Ostergotland
Classification: Likely pathogenic for Ehlers-Danlos syndrome, type 4. Last evaluated: 2026-01-15. Review status: criteria provided, single submitter. Criteria: ACMG Guidelines, 2015. Collection method: clinical testing. Allele origin: germline. Affected: yes.
Comment: The NM_000090.4(COL3A1):c.1150G>T missense variant (REVEL: 0.984) is rare in population database (gnomAD v4.1.1). The variant is precicted to lead to an amino acid substitution p.(Gly384Cys) disturbing the tripple helix structural domain of the protein, leading to a loss of function effect. The following ACMG/AMP criteria were applied in classifying this variant as Likely Pathogenic: PM2, PP3_moderate, PM1, PP4